The following is an entry in ClinVar:

ClinVar aggregate classification (germline): Conflicting classifications of pathogenicity. Review status: criteria provided, conflicting classifications (1 of 4 stars). 3 submissions from 3 submitters: Uncertain significance (1); Likely benign (2). Last evaluated 2025-06-30.

Conditions:
Hereditary cancer-predisposing syndrome. Also called: Tumor predisposition; Neoplastic Syndromes, Hereditary; Hereditary Cancer Syndrome; Hereditary neoplastic syndrome. Identifiers: Orphanet 140162, MedGen C0027672, MeSH D009386, MONDO:0015356.
Fanconi anemia complementation group O. Also called: RAD51C-Related Fanconi Anemia. Identifiers: Orphanet 84, MedGen C3150653, MONDO:0013248, OMIM 613390.

Submissions (3):

Labcorp Genetics (formerly Invitae), Labcorp
Classification: Uncertain significance for Fanconi anemia complementation group O. Last evaluated: 2025-06-30. Review status: criteria provided, single submitter. Criteria: Invitae Variant Classification Sherloc (09022015). Collection method: clinical testing. Allele origin: germline.
Comment: This sequence change replaces glutamic acid, which is acidic and polar, with glycine, which is neutral and non-polar, at codon 154 of the RAD51C protein (p.Glu154Gly). The frequency data for this variant in the population databases is considered unreliable, as metrics indicate poor data quality at this position in the gnomAD database. This missense change has been observed in individual(s) with ovarian cancer (PMID: 24504028). ClinVar contains an entry for this variant (Variation ID: 471442). Invitae Evidence Modeling of protein sequence and biophysical properties (such as structural, functional, and spatial information, amino acid conservation, physicochemical variation, residue mobility, and thermodynamic stability) indicates that this missense variant is not expected to disrupt RAD51C protein function with a negative predictive value of 80%. In summary, the available evidence is currently insufficient to determine the role of this variant in disease. Therefore, it has been classified as a Variant of Uncertain Significance.

Ambry Genetics
Classification: Likely benign for Hereditary cancer-predisposing syndrome. Last evaluated: 2022-03-31. Review status: criteria provided, single submitter. Criteria: Ambry Variant Classification Scheme 2023. Collection method: clinical testing. Allele origin: germline.

Mendelics
Classification: Likely benign for Fanconi anemia complementation group O. Last evaluated: 2019-05-28. Review status: criteria provided, single submitter. Criteria: Mendelics Assertion Criteria 2017. Collection method: clinical testing. Allele origin: unknown.

Literature cited by the submitters: PubMed 24504028 (cited by Labcorp Genetics (formerly Invitae), Labcorp).

NM_058216.3(RAD51C):c.461A>G (p.Glu154Gly)

Gene: RAD51C (RAD51 paralog C; plus strand). Cytogenetic location: 17q22.
Variant type: single nucleotide variant.
Coding change: c.461A>G on transcript NM_058216.3 (MANE Select); coding-DNA position 461, A replaced by G.
Protein change: p.Glu154Gly; replaces glutamic acid 154 with glycine.
Molecular consequence: missense variant.
Genome position (GRCh38, 1-based): chr17:58,696,749, A>G. VCF-style: chr17-58696749-A-G. GRCh37 (hg19) VCF-style: chr17-56774110-A-G.
Other names: short protein forms E154G.
Identifiers: ClinVar variation 471442 (VCV000471442.14), dbSNP rs758847241, ClinGen allele CA8677230.
Genomic context (GRCh38, chr17:58,696,749, plus strand): 5'-ACAGTATGCAGTTGGCAGTAGATGTGCAGATACCAGAATGTTTTGGAGGAGTGGCAGGTG[A>G]AGCAGTTTTTATTGATACAGAGGGAAGTTTTATGGTTGATAGAGTGGTAGACCTTGCTAC-3'
Protein context (NP_478123.1, residues 144-164): IPECFGGVAG[Glu154Gly]AVFIDTEGSF